The following is an entry in ClinVar:

ClinVar aggregate classification (germline): Pathogenic/Likely pathogenic. Review status: criteria provided, multiple submitters, no conflicts (2 of 4 stars). 4 submissions from 4 submitters: Pathogenic (1); Likely pathogenic (3). Last evaluated 2025-05-22.

Conditions:
Nephronophthisis. Also called: Juvenile Nephronophthisis. Identifiers: MedGen C0687120, MONDO:0019005, HP:0000090, Orphanet 655.
Joubert syndrome. Also called: JOUBERT-BOLTSHAUSER SYNDROME; Familial aplasia of the vermis. Identifiers: Orphanet 475, MedGen C5979921, MONDO:0018772.
Meckel-Gruber syndrome. Also called: DYSENCEPHALIA SPLANCHNOCYSTICA; GRUBER SYNDROME; Dysencephalia splachnocystica. Identifiers: Orphanet 564, MedGen C0265215, MONDO:0018921.
CEP290-related disorder. Also called: CEP290-related condition; CEP290-related disorders. Identifiers: MedGen CN239314.
Leber congenital amaurosis (LCA). Also called: Leber's amaurosis. Identifiers: Orphanet 65, MedGen C0339527, MeSH D057130, MONDO:0018998.
Bardet-Biedl syndrome 14 (BBS14). Identifiers: Orphanet 110, MedGen C2673874, MONDO:0014442, OMIM 615991.

Submissions (4):

Natera, Inc.
Classification: Likely pathogenic for Leber congenital amaurosis. Last evaluated: 2025-05-22. Review status: criteria provided, single submitter. Criteria: Natera Variant Classification Schema (03/2026). Collection method: clinical testing. Allele origin: germline.
Comment: The c.5136_5139del variant in CEP290 is a frameshift variant predicted to shift the reading frame beginning at codon 1713 and leads to a stop codon 10 codons downstream. This variant is expected to result in nonsense mediated decay, truncation, or a dysfunctional protein product. This variant is rare in the general population with a frequency below the threshold expected for the associated phenotype(s). Given the available evidence, this variant is classified as Likely Pathogenic.

Baylor Genetics
Classification: Likely pathogenic for Bardet-Biedl syndrome 14. Last evaluated: 2023-05-18. Review status: criteria provided, single submitter. Criteria: ACMG Guidelines, 2015. Collection method: clinical testing. Allele origin: unknown.

Blueprint Genetics
Classification: Likely pathogenic for CEP290-related disorders. Last evaluated: 2022-09-08. Review status: criteria provided, single submitter. Criteria: ACMG Guidelines, 2015. Collection method: clinical testing. Allele origin: germline. Affected: yes. Observed: 1 variant allele.

Labcorp Genetics (formerly Invitae), Labcorp
Classification: Pathogenic for Joubert syndrome; Meckel-Gruber syndrome; Nephronophthisis. Last evaluated: 2022-08-23. Review status: criteria provided, single submitter. Criteria: Invitae Variant Classification Sherloc (09022015). Collection method: clinical testing. Allele origin: germline.
Comment: For these reasons, this variant has been classified as Pathogenic. ClinVar contains an entry for this variant (Variation ID: 1071248). This variant has not been reported in the literature in individuals affected with CEP290-related conditions. This variant is not present in population databases (gnomAD no frequency). This sequence change creates a premature translational stop signal (p.Glu1713Glnfs*10) in the CEP290 gene. It is expected to result in an absent or disrupted protein product. Loss-of-function variants in CEP290 are known to be pathogenic (PMID: 16909394, 17345604, 20690115).

Literature cited by the submitters: PubMed 16909394 (cited by Labcorp Genetics (formerly Invitae), Labcorp); PubMed 17345604 (cited by Labcorp Genetics (formerly Invitae), Labcorp); PubMed 20690115 (cited by Labcorp Genetics (formerly Invitae), Labcorp).

NM_025114.4(CEP290):c.5136_5139del (p.Glu1713fs)

Gene: CEP290 (centrosomal protein 290; minus strand). Cytogenetic location: 12q21.32.
Variant type: Deletion.
Coding change: c.5136_5139del on transcript NM_025114.4 (MANE Select); coding-DNA positions 5136 to 5139, 4 bases deleted (AGAA; older notation c.5136_5139delAGAA).
Protein change: p.Glu1713fs; shifts the reading frame from glutamic acid 1713.
Molecular consequence: frameshift variant.
Genome position (GRCh38, 1-based): chr12:88,080,269-88,080,272, TTCT deleted on the plus strand (AGAA on the coding strand, the reverse complement: CEP290 is on the minus strand); deleting any 4 consecutive bases within chr12:88,080,269-88,080,274 gives the same sequence; the c. name uses the placement nearest the transcript's 3' end. VCF-style (leftmost placement, unchanged base first): chr12-88080268-CTTCT-C. GRCh37 (hg19) VCF-style: chr12-88474045-CTTCT-C.
Other names: c.5136_5139del (NM_025114.3); short protein forms E1713fs.
Identifiers: ClinVar variation 1071248 (VCV001071248.10), dbSNP rs995093343, ClinGen allele CA241154650.